The following is an entry in ClinVar:

ClinVar aggregate classification (germline): Uncertain significance. Review status: criteria provided, multiple submitters, no conflicts (2 of 4 stars). 2 submissions from 2 submitters: Uncertain significance (2). Last evaluated 2024-07-12.

Conditions:
Inborn genetic diseases. Identifiers: MedGen C0950123, MeSH D030342.

Allele frequency attached by ClinVar (database versions not stated): gnomAD exomes below 0.00001; ExAC 0.00001; gnomAD 0.00001; TOPMed 0.00001.
gnomAD v4.1: 3 of 1,612,934 alleles (0.00019%); highest among the groups gnomAD compares: African/African-American, 0.004%; no homozygotes.

Submissions (2):

Labcorp Genetics (formerly Invitae), Labcorp
Classification: Uncertain significance. Last evaluated: 2024-07-12. Review status: criteria provided, single submitter. Criteria: Invitae Variant Classification Sherloc (09022015). Collection method: clinical testing. Allele origin: germline.
Comment: This sequence change replaces lysine, which is basic and polar, with threonine, which is neutral and polar, at codon 1258 of the LAMB1 protein (p.Lys1258Thr). This variant is present in population databases (rs750381711, gnomAD 0.008%). This variant has not been reported in the literature in individuals affected with LAMB1-related conditions. ClinVar contains an entry for this variant (Variation ID: 2367143). An algorithm developed to predict the effect of missense changes on protein structure and function (PolyPhen-2) suggests that this variant is likely to be tolerated. In summary, the available evidence is currently insufficient to determine the role of this variant in disease. Therefore, it has been classified as a Variant of Uncertain Significance.

Ambry Genetics
Classification: Uncertain significance for Inborn genetic diseases. Last evaluated: 2022-01-03. Review status: criteria provided, single submitter. Criteria: Ambry Variant Classification Scheme 2023. Collection method: clinical testing. Allele origin: germline.

NM_002291.3(LAMB1):c.3773A>C (p.Lys1258Thr)

Gene: LAMB1 (laminin subunit beta 1; minus strand). Cytogenetic location: 7q31.1.
Variant type: single nucleotide variant.
Coding change: c.3773A>C on transcript NM_002291.3 (MANE Select); coding-DNA position 3773, A replaced by C.
Protein change: p.Lys1258Thr; replaces lysine 1258 with threonine.
Molecular consequence: missense variant.
Genome position (GRCh38, 1-based): chr7:107,937,266, T>G on the plus strand (A>C on the coding strand, the complement: LAMB1 is on the minus strand). VCF-style: chr7-107937266-T-G. GRCh37 (hg19) VCF-style: chr7-107577711-T-G.
Other names: short protein forms K1258T.
Identifiers: ClinVar variation 2367143 (VCV002367143.4), dbSNP rs750381711, ClinGen allele CA4435222.